The following is an entry in ClinVar:

ClinVar aggregate classification (germline): Pathogenic/Likely pathogenic. Review status: criteria provided, multiple submitters, no conflicts (2 of 4 stars). 5 submissions from 5 submitters: Pathogenic (4); Likely pathogenic (1). Last evaluated 2026-03-25.

Conditions:
Inborn genetic diseases. Identifiers: MedGen C0950123, MeSH D030342.
SETX-related disorder. Also called: SETX-related condition; SETX-related disorders. Identifiers: MedGen CN239403.
Spinocerebellar ataxia, autosomal recessive, with axonal neuropathy 2 (SCAN2). Also called: ATAXIA-OCULOMOTOR APRAXIA 2; Ataxia with Oculomotor Apraxia Type 2; Ataxia-ocular apraxia-2; Ataxia with Oculomotor Apraxia. Identifiers: Orphanet 64753, MedGen C1853761, MONDO:0018996, OMIM 606002.

Submissions (5):

PreventionGenetics, part of Exact Sciences
Classification: Pathogenic for SETX-related condition. Last evaluated: 2026-03-25. Review status: criteria provided, single submitter. Criteria: ACMG Guidelines, 2015. Collection method: clinical testing. Allele origin: germline.
Comment: The SETX c.6729_6730delCA variant is predicted to result in a frameshift and premature protein termination (p.His2243Glnfs*27). This variant has been reported with a second SETX variant in an individual with features of ataxia-ocular apraxia 2 (Németh et al. 2013. PubMed ID: 24030952). This variant is reported in 0.00088% of alleles in individuals of European (non-Finnish) descent in gnomAD. Frameshift variants in SETX are expected to be pathogenic. This variant is interpreted as pathogenic for autosomal recessive SETX-related disorders.

Athena Diagnostics
Classification: Pathogenic. Last evaluated: 2024-04-25. Review status: criteria provided, single submitter. Criteria: Athena Diagnostics Criteria. Collection method: clinical testing. Allele origin: unknown.
Comment: This variant is expected to result in the loss of a functional protein. The frequency of this variant in the general population is consistent with pathogenicity. This variant has been identified in at least one individual with clinical features of autosomal recessive spinocerebellar ataxia.

GeneDx
Classification: Pathogenic. Last evaluated: 2024-04-15. Review status: criteria provided, single submitter. Criteria: GeneDx Variant Classification Process June 2021. Collection method: clinical testing. Allele origin: germline. Affected: yes.
Comment: Frameshift variant predicted to result in protein truncation or nonsense mediated decay in a gene for which loss of function is a known mechanism of disease; Not observed at significant frequency in large population cohorts (gnomAD); This variant is associated with the following publications: (PMID: 24030952, 29212862)

Genome-Nilou Lab
Classification: Likely pathogenic for Spinocerebellar ataxia, autosomal recessive, with axonal neuropathy 2. Last evaluated: 2023-02-08. Review status: criteria provided, single submitter. Criteria: ACMG Guidelines, 2015. Collection method: clinical testing. Allele origin: germline.

Ambry Genetics
Classification: Pathogenic for Inborn genetic diseases. Last evaluated: 2022-01-25. Review status: criteria provided, single submitter. Criteria: Ambry Variant Classification Scheme 2023. Collection method: clinical testing. Allele origin: germline.
Comment: The c.6729_6730delCA pathogenic mutation, located in coding exon 19 of the SETX gene, results from a deletion of two nucleotides at nucleotide positions 6729 to 6730, causing a translational frameshift with a predicted alternate stop codon (p.H2243Qfs*27). This alteration has been detected alongside a second SETX frameshift alteration in an individual with ataxia with oculomotor apraxia type 2; the phase of these alterations was not determined (Choudry TN et al. Pract Neurol, 2018 Feb;18:52-56). In addition, this alteration was detected in an unrelated individual with slowly progressive ataxia, sensorimotor neuropathy, elevated AFP, and cerebellar atrophy, who also had a missense variant in SETX of unknown phase (N&eacute;meth AH et al. Brain, 2013 Oct;136:3106-18). This alteration is expected to result in loss of function by premature protein truncation or nonsense-mediated mRNA decay. Based on the supporting evidence, this variant is expected to be causative of autosomal recessive spinocerebellar ataxia with axonal neuropathy 2 (SCAN2) when present along with a second pathogenic variant on the other allele; however, its clinical significance for autosomal dominant juvenile amyotrophic lateral sclerosis 4 (ALS4) is unclear.

Literature cited by the submitters: PubMed 24030952 (cited by Athena Diagnostics and Ambry Genetics); PubMed 29212862 (cited by Athena Diagnostics and Ambry Genetics).

NM_015046.7(SETX):c.6729_6730del (p.His2243fs)

Gene: SETX (senataxin; minus strand). Cytogenetic location: 9q34.13.
Variant type: Microsatellite.
Coding change: c.6729_6730del on transcript NM_015046.7 (MANE Select); coding-DNA positions 6729 to 6730, 2 bases deleted (CA; older notation c.6729_6730delCA).
Protein change: p.His2243fs; shifts the reading frame from histidine 2243.
Molecular consequence: frameshift variant.
Genome position (GRCh38, 1-based): chr9:132,278,182-132,278,183, TG deleted on the plus strand (CA on the coding strand, the reverse complement: SETX is on the minus strand); deleting any 2 consecutive bases within chr9:132,278,182-132,278,186 gives the same sequence; the c. name uses the placement nearest the transcript's 3' end. VCF-style (leftmost placement, unchanged base first): chr9-132278181-TTG-T. GRCh37 (hg19) VCF-style: chr9-135153568-TTG-T.
Other names: c.6729_6730del, p.His2243fs (NM_001351527.2, NM_001351528.2); c.6729_6730delCA (NM_015046.5); short protein forms H2243fs.
Identifiers: ClinVar variation 805430 (VCV000805430.8), dbSNP rs752122764, ClinGen allele CA5296632.